The following is an entry in ClinVar:

ClinVar aggregate classification (germline): Pathogenic (1 of 4 stars; one submission).

Allele frequency attached by ClinVar (database versions not stated): TOPMed below 0.00001; gnomAD 0.00001; gnomAD exomes 0.00001.

Submission:

Labcorp Genetics (formerly Invitae), Labcorp
Classification: Pathogenic. Last evaluated: 2023-10-12. Review status: criteria provided, single submitter. Criteria: Invitae Variant Classification Sherloc (09022015). Collection method: clinical testing. Allele origin: germline.
Comment: This sequence change affects the initiator methionine of the BMP1 mRNA. The next in-frame methionine is located at codon 155. This variant is not present in population databases (gnomAD no frequency). This variant has not been reported in the literature in individuals affected with BMP1-related conditions. This variant disrupts a region of the BMP1 protein in which other variant(s) (p.Gly12Arg) have been determined to be pathogenic (PMID: 22482805, 24091809, 29499418). This suggests that this is a clinically significant region of the protein, and that variants that disrupt it are likely to be disease-causing. For these reasons, this variant has been classified as Pathogenic.

Literature cited by the submitters: PubMed 22482805; PubMed 24091809; PubMed 29499418.

NM_006129.5(BMP1):c.1A>G (p.Met1Val)

Genes: BMP1 (bone morphogenetic protein 1; plus strand), LOC129999976 (ATAC-STARR-seq lymphoblastoid silent region 18982; plus strand). Cytogenetic location: 8p21.3.
Variant type: single nucleotide variant.
Coding change: c.1A>G on transcript NM_006129.5 (MANE Select); coding-DNA position 1, A replaced by G.
Protein change: p.Met1Val; changes the start codon (methionine 1).
Molecular consequence: missense variant, initiator codon variant. On other transcripts: non-coding transcript variant (2).
Genome position (GRCh38, 1-based): chr8:22,165,406, A>G. VCF-style: chr8-22165406-A-G. GRCh37 (hg19) VCF-style: chr8-22022919-A-G.
Other names: c.1A>G, p.Met1Val (NM_001199.4); short protein forms M1V.
Identifiers: ClinVar variation 2987540 (VCV002987540.3), dbSNP rs1171944003, ClinGen allele CA370539595.